The following is an entry in ClinVar:

NM_016222.4(DDX41):c.622C>T (p.Gln208Ter)

Gene: DDX41 (DEAD-box helicase 41; minus strand). Cytogenetic location: 5q35.3.
Variant type: single nucleotide variant.
Coding change: c.622C>T on transcript NM_016222.4 (MANE Select); coding-DNA position 622, C replaced by T.
Protein change: p.Gln208Ter; replaces glutamine 208 with a stop codon.
Molecular consequence: nonsense.
Genome position (GRCh38, 1-based): chr5:177,515,208, G>A on the plus strand (C>T on the coding strand, the complement: DDX41 is on the minus strand). VCF-style: chr5-177515208-G-A. GRCh37 (hg19) VCF-style: chr5-176942209-G-A.
Other names: c.244C>T, p.Gln82Ter (NM_001321732.2, NM_001321830.2); short protein forms Q208*, Q82*.
Identifiers: ClinVar variation 4869650 (VCV004869650.1).
Genomic context (GRCh38, chr5:177,515,208, plus strand): 5'-CCCTCCTCAAGGACCCCAGGTCCACAGTCCACACTCACATGGTGGGGATGCCCTGGATCT[G>A]AATGGGTGTTGGGTGGTGAATGCCTTTCTTCTTCAGGCCTCTCAGGATGGCTATGAAAAC-3'

ClinVar aggregate classification (germline): Pathogenic (1 of 4 stars; one submission).

Conditions:
Inborn genetic diseases. Identifiers: MedGen C0950123, MeSH D030342.

Submission:

Ambry Genetics
Classification: Pathogenic for Inborn genetic diseases. Last evaluated: 2026-04-23. Review status: criteria provided, single submitter. Criteria: Ambry Variant Classification Scheme 2023. Collection method: clinical testing. Allele origin: germline.
Comment: The p.Q208* pathogenic mutation (also known as c.622C>T), located in coding exon 7 of the DDX41 gene, results from a C to T substitution at nucleotide position 622. This changes the amino acid from a glutamine to a stop codon within coding exon 7. This variant is considered to be rare based on population cohorts in the Genome Aggregation Database (gnomAD). This alteration is expected to result in loss of function by premature protein truncation or nonsense-mediated mRNA decay. As such, this alteration is interpreted as a disease-causing mutation.